The following is an entry in ClinVar:

NM_001164665.2(KIAA1549):c.1826C>G (p.Ser609Cys)

Gene: KIAA1549 (KIAA1549; minus strand). Cytogenetic location: 7q34.
Variant type: single nucleotide variant.
Coding change: c.1826C>G on transcript NM_001164665.2 (MANE Select); coding-DNA position 1826, C replaced by G.
Protein change: p.Ser609Cys; replaces serine 609 with cysteine.
Molecular consequence: missense variant.
Genome position (GRCh38, 1-based): chr7:138,917,800, G>C on the plus strand (C>G on the coding strand, the complement: KIAA1549 is on the minus strand). VCF-style: chr7-138917800-G-C. GRCh37 (hg19) VCF-style: chr7-138602546-G-C.
Other names: c.1826C>G, p.Ser609Cys (NM_020910.3); short protein forms S609C.
Identifiers: ClinVar variation 968187 (VCV000968187.7), dbSNP rs1284648305, ClinGen allele CA369396710.

ClinVar aggregate classification (germline): Uncertain significance (1 of 4 stars; one submission).

Allele frequency attached by ClinVar (database versions not stated): gnomAD exomes below 0.00001 and 0.00002.
gnomAD v4.1: 6 of 1,586,230 alleles (0.00038%); highest among the groups gnomAD compares: Admixed American, 0.0091%; 1 homozygote.

Submission:

Labcorp Genetics (formerly Invitae), Labcorp
Classification: Uncertain significance. Last evaluated: 2023-08-17. Review status: criteria provided, single submitter. Criteria: Invitae Variant Classification Sherloc (09022015). Collection method: clinical testing. Allele origin: germline.
Comment: ClinVar contains an entry for this variant (Variation ID: 968187). An algorithm developed to predict the effect of missense changes on protein structure and function (PolyPhen-2) suggests that this variant is likely to be tolerated. In summary, the available evidence is currently insufficient to determine the role of this variant in disease. Therefore, it has been classified as a Variant of Uncertain Significance. This variant has not been reported in the literature in individuals affected with KIAA1549-related conditions. This sequence change replaces serine, which is neutral and polar, with cysteine, which is neutral and slightly polar, at codon 609 of the KIAA1549 protein (p.Ser609Cys). This variant is present in population databases (no rsID available, gnomAD 0.01%).